The following is an entry in ClinVar:

ClinVar aggregate classification (germline): Uncertain significance (1 of 4 stars; one submission).

Conditions:
Hereditary cancer-predisposing syndrome. Also called: Neoplastic Syndromes, Hereditary; Tumor predisposition; Hereditary neoplastic syndrome; Hereditary Cancer Syndrome. Identifiers: Orphanet 140162, MedGen C0027672, MeSH D009386, MONDO:0015356.

Submission:

Ambry Genetics
Classification: Uncertain significance for Hereditary cancer-predisposing syndrome. Last evaluated: 2023-01-06. Review status: criteria provided, single submitter. Criteria: Ambry Variant Classification Scheme 2023. Collection method: clinical testing. Allele origin: germline.
Comment: The c.1847_1849dupCTC variant (also known as p.S616_L617insP), located in coding exon 4 of the MSH6 gene, results from an in-frame duplication of CTC at nucleotide positions 1847 to 1849. This results in the duplication of an extra residue between codons 616 and 617. In addition, this alteration is predicted to be deleterious by in silico analysis (Choi Y et al. PLoS ONE. 2012; 7(10):e46688). Since supporting evidence is limited at this time, the clinical significance of this alteration remains unclear.

NM_000179.3(MSH6):c.1847_1849dup (p.Ser616_Leu617insPro)

Gene: MSH6 (mutS homolog 6; plus strand). Cytogenetic location: 2p16.3.
Variant type: Duplication.
Coding change: c.1847_1849dup on transcript NM_000179.3 (MANE Select); coding-DNA positions 1847 to 1849, 3 bases duplicated (CTC; older notation c.1847_1849dupCTC).
Protein change: p.Ser616_Leu617insPro.
Molecular consequence: inframe insertion. On other transcripts: non-coding transcript variant (4), intron variant (2), inframe indel (1).
Genome position (GRCh38, 1-based): chr2:47,799,830-47,799,832, CTC duplicated. VCF-style (leftmost placement, unchanged base first): chr2-47799829-T-TCTC. GRCh37 (hg19) VCF-style: chr2-48026968-T-TCTC.
Other names: c.1457_1459dup, p.Ser486_Leu487insPro (NM_001281492.2); c.941_943dup, p.Ser314_Leu315insPro (NM_001281493.2, NM_001281494.2, NM_001406811.1 and 6 more transcripts); c.1943_1945dup, p.Ser648_Leu649insPro (NM_001406795.1, NM_001406802.1); c.1847_1849dup, p.Ser616_Leu617insPro (NM_001406796.1, NM_001406798.1, NM_001406800.1 and 3 more transcripts); c.1550_1552dup, p.Ser517_Leu518insPro (NM_001406797.1, NM_001406801.1, NM_001406805.1 and 10 more transcripts); c.1322_1324dup, p.Ser441_Leu442insPro (NM_001406799.1, NM_001406806.1, NM_001406807.1); c.1769_1771dup, p.Ser590_Leu591insPro (NM_001406804.1); c.1853_1855dup, p.Ser618_Leu619insPro (NM_001406813.1); and 4 more.
Identifiers: ClinVar variation 2453182 (VCV002453182.2), dbSNP rs2530634027, ClinGen allele CA2580067713.